The following is an entry in ClinVar:

ClinVar aggregate classification (germline): Uncertain significance (1 of 4 stars; one submission).

Conditions:
Asphyxiating thoracic dystrophy 3. Also called: SHORT-RIB THORACIC DYSPLASIA 3 WITH OR WITHOUT POLYDACTYLY; POLYDACTYLY WITH NEONATAL CHONDRODYSTROPHY, TYPE I; SHORT-RIB THORACIC DYSPLASIA 3/6 WITH POLYDACTYLY, DIGENIC; Short rib polydactyly syndrome 2B; Saldino-Noonan Syndrome. Identifiers: Orphanet 474, Orphanet 93269, Orphanet 93270, Orphanet 93271, MedGen C0036069, MONDO:0013127, OMIM 613091.

Allele frequency attached by ClinVar (database versions not stated): TOPMed 0.00002; gnomAD 0.00003 and 0.00002; 1000 Genomes Project 30x 0.00016; 1000 Genomes Project 0.00020; ExAC 0.00002; gnomAD exomes 0.00002.
gnomAD v4.1: 11 of 1,607,332 alleles (0.00068%); highest among the groups gnomAD compares: African/African-American, 0.0067%; no homozygotes.

Submission:

ARUP Laboratories, Molecular Genetics and Genomics, ARUP Laboratories
Classification: Uncertain significance for Asphyxiating thoracic dystrophy 3. Last evaluated: 2019-09-25. Review status: criteria provided, single submitter. Criteria: ARUP Molecular Germline Variant Investigation Process. Collection method: clinical testing. Allele origin: germline.
Comment: The DYNC2H1 c.2719T>C; p.Cys907Arg variant (rs534081459), to our knowledge, is not reported in the medical literature or gene-specific databases. This variant is found on only five chromosomes (5/244646 alleles) in the Genome Aggregation Database. The cysteine at codon 907 is highly conserved, and computational analyses (SIFT, PolyPhen-2) predict that this variant is deleterious. However, given the lack of clinicals and functional data, the significance of the p.Cys907Arg variant is uncertain at this time.

NM_001377.3(DYNC2H1):c.2719T>C (p.Cys907Arg)

Gene: DYNC2H1 (dynein cytoplasmic 2 heavy chain 1; plus strand). Cytogenetic location: 11q22.3.
Variant type: single nucleotide variant.
Coding change: c.2719T>C on transcript NM_001377.3 (MANE Select); coding-DNA position 2719, T replaced by C.
Protein change: p.Cys907Arg; replaces cysteine 907 with arginine.
Molecular consequence: missense variant.
Genome position (GRCh38, 1-based): chr11:103,147,788, T>C. VCF-style: chr11-103147788-T-C. GRCh37 (hg19) VCF-style: chr11-103018517-T-C.
Other names: c.2719T>C, p.Cys907Arg (NM_001080463.2); short protein forms C907R.
Identifiers: ClinVar variation 993765 (VCV000993765.8), dbSNP rs534081459, ClinGen allele CA6253146.